The following is an entry in ClinVar:

ClinVar aggregate classification (germline): Conflicting classifications of pathogenicity. Review status: criteria provided, conflicting classifications (1 of 4 stars). 8 submissions from 8 submitters: Uncertain significance (3); Likely benign (1). 4 of the submissions do not count toward it. Last evaluated 2024-03-21.

Conditions:
Autosomal recessive limb-girdle muscular dystrophy type 2J (LGMDR10). Also called: Limb-girdle muscular dystrophy, type 2J; MUSCULAR DYSTROPHY, LIMB-GIRDLE, AUTOSOMAL RECESSIVE 10. Identifiers: Orphanet 140922, MedGen C1837342, MONDO:0012127, OMIM 608807.
Dilated cardiomyopathy 1G (CMD1G). Identifiers: Orphanet 154, MedGen C1858763, MONDO:0011400, OMIM 604145.

Allele frequency attached by ClinVar (database versions not stated): ExAC 0.00003; gnomAD exomes 0.00003 and 0.00006; gnomAD 0.00006; TOPMed 0.00006.
gnomAD v4.1: 57 of 1,613,936 alleles (0.0035%); highest among the groups gnomAD compares: Non-Finnish European, 0.0047%; no homozygotes.

Submissions (8):

Mayo Clinic Laboratories, Mayo Clinic
Classification: Uncertain significance. Last evaluated: 2024-03-21. Review status: criteria provided, single submitter. Criteria: ACMG Guidelines, 2015. Collection method: clinical testing. Allele origin: germline. Observed: 1 variant allele.

GeneDx
Classification: Likely benign. Last evaluated: 2018-12-06. Review status: criteria provided, single submitter. Criteria: GeneDx Variant Classification Process June 2021. Collection method: clinical testing. Allele origin: germline. Affected: yes.

Labcorp Genetics (formerly Invitae), Labcorp
Classification: Uncertain significance for Dilated cardiomyopathy 1G; Autosomal recessive limb-girdle muscular dystrophy type 2J. Last evaluated: 2016-07-06. Review status: criteria provided, single submitter. Criteria: Invitae Variant Classification Sherloc (09022015). Collection method: clinical testing. Allele origin: germline.

Laboratory for Molecular Medicine, Mass General Brigham Personalized Medicine
Classification: Uncertain significance. Last evaluated: 2015-04-14. Review status: criteria provided, single submitter. Criteria: LMM Criteria. Collection method: clinical testing. Allele origin: germline. Observed: 1 variant allele.
Comment: The p.Asp2140Glu variant in TTN has not been previously reported in individuals with cardiomyopathy, but has been identified in 4/66660 European chromosomes by the Exome Aggregation Consortium (ExAC). Computa tional prediction tools and conservation analysis do not provide strong support for or against an impact to the protein. In summary, the clinical significance o f the p.Asp2140Glu variant is uncertain.

Clinical Genetics DNA and cytogenetics Diagnostics Lab, Erasmus MC, Erasmus Medical Center
Classification: Uncertain significance. Review status: no assertion criteria provided. Collection method: clinical testing. Allele origin: germline. Affected: yes. Study: VKGL Data-share Consensus. Not counted in ClinVar's aggregate classification.

Clinical Genetics, Academic Medical Center
Classification: Uncertain significance. Review status: no assertion criteria provided. Collection method: clinical testing. Allele origin: germline. Affected: yes. Study: VKGL Data-share Consensus. Not counted in ClinVar's aggregate classification.

Diagnostic Laboratory, Department of Genetics, University Medical Center Groningen
Classification: Uncertain significance. Review status: no assertion criteria provided. Collection method: clinical testing. Allele origin: germline. Affected: yes. Study: VKGL Data-share Consensus. Not counted in ClinVar's aggregate classification.

Joint Genome Diagnostic Labs from Nijmegen and Maastricht, Radboudumc and MUMC+
Classification: Uncertain significance. Review status: no assertion criteria provided. Collection method: clinical testing. Allele origin: germline. Affected: yes. Study: VKGL Data-share Consensus. Not counted in ClinVar's aggregate classification.

NM_001267550.2(TTN):c.6420T>A (p.Asp2140Glu)

Gene: TTN (titin; minus strand). Cytogenetic location: 2q31.2.
Variant type: single nucleotide variant.
Coding change: c.6420T>A on transcript NM_001267550.2 (MANE Select); coding-DNA position 6420, T replaced by A.
Protein change: p.Asp2140Glu; replaces aspartic acid 2140 with glutamic acid.
Molecular consequence: missense variant.
Genome position (GRCh38, 1-based): chr2:178,775,444, A>T on the plus strand (T>A on the coding strand, the complement: TTN is on the minus strand). VCF-style: chr2-178775444-A-T. GRCh37 (hg19) VCF-style: chr2-179640171-A-T.
Other names: c.6420T>A, p.Asp2140Glu (NM_133378.4, NM_001256850.1, NM_133379.5); c.6282T>A, p.Asp2094Glu (NM_003319.4, NM_133432.3, NM_133437.4); short protein forms D2140E, D2094E.
Identifiers: ClinVar variation 229504 (VCV000229504.17), dbSNP rs777009984, ClinGen allele CA2005052.
Genomic context (GRCh38, chr2:178,775,444, plus strand): 5'-GGTTTCTCCAGCTATGTTGATGGCTTTTACCATGATGCTGGCAGAGTCCTCAGCAGTCAC[A>T]TCTCTTATGACCAATTCACAAACATTGTCTTCGGGCCAGTACCAGTAGATCCGGTCAGAC-3'
Protein context (NP_001254479.2, residues 2130-2150): EDNVCELVIR[Asp2140Glu]VTAEDSASIM